The following is an entry in ClinVar:

ClinVar aggregate classification (germline): Pathogenic. Review status: criteria provided, multiple submitters, no conflicts (2 of 4 stars). 5 submissions from 5 submitters: Pathogenic (2). 3 of the submissions do not count toward it. Last evaluated 2023-10-30.

Conditions:
SLC12A1-related disorder. Also called: SLC12A1-related condition.
Nephrocalcinosis. Also called: Hypercalcemic nephropathy. Identifiers: MedGen C0027709, MONDO:0001567, HP:0000121.
Kidney stone. Also called: Nephrolithiasis. Identifiers: MedGen C0392525, MONDO:0008171, HP:0000787.
Bartter disease type 1. Also called: Bartter syndrome, type 1, antenatal; HYPOKALEMIC ALKALOSIS WITH HYPERCALCIURIA 1, ANTENATAL; Bartter Syndrome type 1; HYPERPROSTAGLANDIN E SYNDROME 1. Identifiers: Orphanet 112, Orphanet 620217, MedGen C1866495, MONDO:0100344, OMIM 601678, MONDO:0011127.

Submissions (5):

Blueprint Genetics
Classification: Pathogenic for SLC12A1-related disorders. Last evaluated: 2023-10-30. Review status: criteria provided, single submitter. Criteria: ACMG Guidelines, 2015. Collection method: clinical testing. Allele origin: germline. Affected: yes. Observed: 2 variant alleles.

Labcorp Genetics (formerly Invitae), Labcorp
Classification: Pathogenic. Last evaluated: 2023-04-30. Review status: criteria provided, single submitter. Criteria: Invitae Variant Classification Sherloc (09022015). Collection method: clinical testing. Allele origin: germline.
Comment: For these reasons, this variant has been classified as Pathogenic. ClinVar contains an entry for this variant (Variation ID: 265999). This variant is also known as c.1157delT p.Ile386fs. This premature translational stop signal has been observed in individual(s) with clinical features of Bartter syndrome (PMID: 28893421). This variant is present in population databases (rs779588655, gnomAD 0.002%). This sequence change creates a premature translational stop signal (p.Phe388Serfs*40) in the SLC12A1 gene. It is expected to result in an absent or disrupted protein product. Loss-of-function variants in SLC12A1 are known to be pathogenic (PMID: 8640224, 9585600, 19096086).

Clinical Laboratory Sciences Program (CLSP), King Saud bin Abdulaziz University for Health Sciences (KSAU-HS)
Classification: Pathogenic for Bartter disease type 1. Last evaluated: 2023-04-01. Review status: no assertion criteria provided. Collection method: clinical testing. Allele origin: germline. Affected: yes. Not counted in ClinVar's aggregate classification.

Yale Center for Mendelian Genomics, Yale University
Classification: Likely pathogenic for Nephrolithiasis; Nephrocalcinosis. Last evaluated: 2017-09-08. Review status: no assertion criteria provided. Collection method: literature only. Allele origin: germline. Affected: yes. Observed: 2 homozygotes. Not counted in ClinVar's aggregate classification.

Bioscientia Institut fuer Medizinische Diagnostik GmbH, Sonic Healthcare
Classification: Pathogenic for Bartter disease type 1. Review status: no assertion criteria provided. Collection method: clinical testing. Allele origin: germline. Affected: yes. Not counted in ClinVar's aggregate classification.

Literature cited by the submitters: PubMed 28893421 (cited by Labcorp Genetics (formerly Invitae), Labcorp and Yale Center for Mendelian Genomics, Yale University); PubMed 8640224 (cited by Labcorp Genetics (formerly Invitae), Labcorp); PubMed 9585600 (cited by Labcorp Genetics (formerly Invitae), Labcorp); PubMed 19096086 (cited by Labcorp Genetics (formerly Invitae), Labcorp).

NM_000338.3(SLC12A1):c.1163del (p.Phe388fs)

Gene: SLC12A1 (solute carrier family 12 member 1; plus strand). Cytogenetic location: 15q21.1.
Variant type: Deletion.
Coding change: c.1163del on transcript NM_000338.3 (MANE Select); coding-DNA position 1163, one base deleted (T; older notation c.1163delT).
Protein change: p.Phe388fs; shifts the reading frame from phenylalanine 388.
Molecular consequence: frameshift variant.
Genome position (GRCh38, 1-based): chr15:48,234,952, T deleted; the last of 7 consecutive T bases (chr15:48,234,946-48,234,952); deleting any one gives the same sequence. VCF-style (leftmost placement, unchanged base first): chr15-48234945-AT-A. GRCh37 (hg19) VCF-style: chr15-48527142-AT-A.
Other names: c.1163delT (NM_000338.2); c.1163del (NM_000338.2); c.1163del, p.Phe388fs (NM_001184832.2); short protein forms F388fs.
Identifiers: ClinVar variation 265999 (VCV000265999.23), dbSNP rs779588655, ClinGen allele CA7546982.
Genomic context (GRCh38, chr15:48,234,945, plus strand): 5'-TTTGCAGAAAACTTTGGGCCACGCTTCACAAAGGGTGAAGGCTTCTTCTCTGTCTTTGCC[AT>A]TTTTTTCCCAGCAGCTACTGGGATTCTTGCTGGTGCCAATATCTCAGGAGATTTGGAGGT-3'